The following is an entry in ClinVar:

NM_001371928.1(AHDC1):c.4039T>C (p.Tyr1347His)

Gene: AHDC1 (AT-hook DNA binding motif containing 1; minus strand). Cytogenetic location: 1p36.11.
Variant type: single nucleotide variant.
Coding change: c.4039T>C on transcript NM_001371928.1 (MANE Select); coding-DNA position 4039, T replaced by C.
Protein change: p.Tyr1347His; replaces tyrosine 1347 with histidine.
Molecular consequence: missense variant.
Genome position (GRCh38, 1-based): chr1:27,548,077, A>G on the plus strand (T>C on the coding strand, the complement: AHDC1 is on the minus strand). VCF-style: chr1-27548077-A-G. GRCh37 (hg19) VCF-style: chr1-27874588-A-G.
Other names: c.4039T>C, p.Tyr1347His (NM_001029882.3); short protein forms Y1347H.
Identifiers: ClinVar variation 1306030 (VCV001306030.6), dbSNP rs760738714, ClinGen allele CA19872333.

ClinVar aggregate classification (germline): Uncertain significance. Review status: criteria provided, multiple submitters, no conflicts (2 of 4 stars). 3 submissions from 3 submitters: Uncertain significance (2). 1 of the submissions does not count toward it. Last evaluated 2022-11-10.

Conditions:
AHDC1-related disorder. Also called: AHDC1-related condition.

Allele frequency attached by ClinVar (database versions not stated): TOPMed 0.00002; gnomAD exomes 0.00004.

Submissions (3):

Labcorp Genetics (formerly Invitae), Labcorp
Classification: Uncertain significance. Last evaluated: 2022-11-10. Review status: criteria provided, single submitter. Criteria: Invitae Variant Classification Sherloc (09022015). Collection method: clinical testing. Allele origin: germline.
Comment: In summary, the available evidence is currently insufficient to determine the role of this variant in disease. Therefore, it has been classified as a Variant of Uncertain Significance. This sequence change replaces tyrosine, which is neutral and polar, with histidine, which is basic and polar, at codon 1347 of the AHDC1 protein (p.Tyr1347His). This variant is not present in population databases (gnomAD no frequency). This variant has not been reported in the literature in individuals affected with AHDC1-related conditions. ClinVar contains an entry for this variant (Variation ID: 1306030). Algorithms developed to predict the effect of missense changes on protein structure and function (SIFT, PolyPhen-2, Align-GVGD) all suggest that this variant is likely to be disruptive.

GeneDx
Classification: Uncertain significance. Last evaluated: 2020-01-06. Review status: criteria provided, single submitter. Criteria: GeneDx Variant Classification Process June 2021. Collection method: clinical testing. Allele origin: germline. Affected: yes.
Comment: In silico analysis, which includes protein predictors and evolutionary conservation, supports a deleterious effect; Has not been previously published as pathogenic or benign to our knowledge

PreventionGenetics, part of Exact Sciences
Classification: Uncertain significance for AHDC1-related condition. Last evaluated: 2024-09-25. Review status: no assertion criteria provided. Collection method: clinical testing. Allele origin: germline. Not counted in ClinVar's aggregate classification.
Comment: The AHDC1 c.4039T>C variant is predicted to result in the amino acid substitution p.Tyr1347His. To our knowledge, this variant has not been reported in the literature or in a large population database, indicating this variant is rare. At this time, the clinical significance of this variant is uncertain due to the absence of conclusive functional and genetic evidence.